The following is an entry in ClinVar:

NM_000169.3(GLA):c.1102G>C (p.Ala368Pro)

Genes: GLA (galactosidase alpha; minus strand), RPL36A-HNRNPH2 (RPL36A-HNRNPH2 readthrough; plus strand). Cytogenetic location: Xq22.1.
Variant type: single nucleotide variant.
Coding change: c.1102G>C on transcript NM_000169.3 (MANE Select); coding-DNA position 1102, G replaced by C.
Protein change: p.Ala368Pro; replaces alanine 368 with proline.
Molecular consequence: missense variant. On other transcripts: non-coding transcript variant (3), intron variant (2).
Genome position (GRCh38, 1-based): chrX:101,397,997, C>G on the plus strand (G>C on the coding strand, the complement: GLA is on the minus strand). VCF-style: chrX-101397997-C-G. GRCh37 (hg19) VCF-style: chrX-100652985-C-G.
Other names: c.1225G>C, p.Ala409Pro (NM_001406747.1); c.300+2540C>G (NM_001199973.2); c.177+6175C>G (NM_001199974.2); c.1102G>C (NM_000169.2); short protein forms A368P, A409P.
Identifiers: ClinVar variation 379288 (VCV000379288.22), dbSNP rs144994244, ClinGen allele CA029647.
Genomic context (GRCh38, chrX:101,397,997, plus strand): 5'-GGAGCTGTGTGATGAAGCAGGCAGGATTACAGGCCACTCCTTTACCCAGGGAAGCAACTG[C>G]GATGGTATAAGAGCGAGGTCCACCAATCTCCTGCCGGTTTATCATAGCTACAGCCCAGGC-3'
Protein context (NP_000160.1, residues 358-378): EIGGPRSYTI[Ala368Pro]VASLGKGVAC

ClinVar aggregate classification (germline): Conflicting classifications of pathogenicity. Review status: criteria provided, conflicting classifications (1 of 4 stars). 8 submissions from 8 submitters: Uncertain significance (4); Likely benign (4). Last evaluated 2026-09-08.

Conditions:
Fabry disease. Also called: GLA DEFICIENCY; HEREDITARY DYSTOPIC LIPIDOSIS; Fabry's disease; ALPHA-GALACTOSIDASE A DEFICIENCY; ANDERSON-FABRY DISEASE; CERAMIDE TRIHEXOSIDASE DEFICIENCY. Identifiers: Orphanet 324, MedGen C0002986, MONDO:0010526, OMIM 301500, HP:0001071. Disease mechanism: Fabry disease is due to inactivating mutations in the X-linked GLA gene resulting in deficiency of the enzyme Alpha Galactosidase-A., loss of function.
Cardiovascular phenotype. Identifiers: MedGen CN230736.

Allele frequency attached by ClinVar (database versions not stated): TOPMed 0.00004.
gnomAD v4.1: 56 of 1,208,470 alleles (0.0046%); highest among the groups gnomAD compares: Non-Finnish European, 0.0056%; no homozygotes.

Submissions (8):

Genomenon, Inc
Classification: Uncertain significance for Fabry disease. Last evaluated: 2026-09-08. Review status: criteria provided, single submitter. Criteria: Genomenon Sequence Variant Interpretation Standards - Updated. Collection method: curation. Allele origin: germline. Affected: no.
Comment: GLA p.Ala368Pro (c.1102G>C) is a missense variant that changes the amino acid at codon 368 from Alanine to Proline. This variant has been reported in the published literature (PMID:26905391;39468034). It is absent or not present at a significant frequency in gnomAD. In silico models predict that this variant is not damaging. In conclusion, we classify GLA p.Ala368Pro (c.1102G>C) as a variant of uncertain significance.

Color Diagnostics, LLC DBA Color Health
Classification: Likely benign for Fabry disease. Last evaluated: 2025-08-14. Review status: criteria provided, single submitter. Criteria: ACMG Guidelines, 2015. Collection method: clinical testing. Allele origin: germline.

Ambry Genetics
Classification: Likely benign for Cardiovascular phenotype. Last evaluated: 2025-06-13. Review status: criteria provided, single submitter. Criteria: Ambry Variant Classification Scheme 2023. Collection method: clinical testing. Allele origin: germline.

Labcorp Genetics (formerly Invitae), Labcorp
Classification: Uncertain significance for Fabry disease. Last evaluated: 2025-01-03. Review status: criteria provided, single submitter. Criteria: Invitae Variant Classification Sherloc (09022015). Collection method: clinical testing. Allele origin: germline.
Comment: This sequence change replaces alanine, which is neutral and non-polar, with proline, which is neutral and non-polar, at codon 368 of the GLA protein (p.Ala368Pro). This variant is present in population databases (rs144994244, gnomAD 0.003%). This variant has not been reported in the literature in individuals affected with GLA-related conditions. ClinVar contains an entry for this variant (Variation ID: 379288). Invitae Evidence Modeling of protein sequence and biophysical properties (such as structural, functional, and spatial information, amino acid conservation, physicochemical variation, residue mobility, and thermodynamic stability) indicates that this missense variant is not expected to disrupt GLA protein function with a negative predictive value of 80%. Algorithms developed to predict the effect of sequence changes on RNA splicing suggest that this variant may disrupt the consensus splice site. In summary, the available evidence is currently insufficient to determine the role of this variant in disease. Therefore, it has been classified as a Variant of Uncertain Significance.

Genome-Nilou Lab
Classification: Likely benign for Fabry disease. Last evaluated: 2021-07-15. Review status: criteria provided, single submitter. Criteria: ACMG Guidelines, 2015. Collection method: clinical testing. Allele origin: germline. Affected: no.

Mayo Clinic Laboratories, Mayo Clinic
Classification: Uncertain significance. Last evaluated: 2020-06-12. Review status: criteria provided, single submitter. Criteria: ACMG Guidelines, 2015. Collection method: clinical testing. Allele origin: germline. Observed: 1 variant allele.

Broad Center for Mendelian Genomics, Broad Institute of MIT and Harvard
Classification: Uncertain significance for Fabry disease. Last evaluated: 2020-01-22. Review status: criteria provided, single submitter. Criteria: ACMG Guidelines, 2015. Collection method: curation. Allele origin: germline. Inheritance: X-linked inheritance.
Comment: The p.Ala368Pro variant in GLA has not been previously reported in individuals with Fabry disease and has been identified in 0.0043% (4/92620) of European (non-Finnish) chromosomes, including 3 hemizygotes, by the Genome Aggregation Database (gnomAD; dbSNP rs144994244). Although this variant has been seen in the general population, its frequency is low enough to be consistent with Fabry disease. Please note that for diseases with clinical variability, or reduced penetrance, pathogenic variants may be present at a low frequency in the general population. This variant has also been reported in ClinVar as likely benign by GeneDx and VUS by Invitae (ID: 379288). Computational prediction tools, including splice predictors, and conservation analyses suggest that this variant may not impact the protein, though this information is not predictive enough to rule out pathogenicity. In summary, the clinical significance of the p.Ala368Pro variant is uncertain. ACMG/AMP Criteria applied: BP4, PM2_supporting (Richards 2015).

X-linked inheritance (primarily recessive with milder female expression)

GeneDx
Classification: Likely benign. Last evaluated: 2015-03-27. Review status: criteria provided, single submitter. Criteria: GeneDx Variant Classification (06012015). Collection method: clinical testing. Allele origin: germline. Affected: yes.
Comment: This variant is considered likely benign or benign based on one or more of the following criteria: it is a conservative change, it occurs at a poorly conserved position in the protein, it is predicted to be benign by multiple in silico algorithms, and/or has population frequency not consistent with disease.

Literature cited by the submitters: PubMed 26905391 (cited by Genomenon, Inc); PubMed 39468034 (cited by Genomenon, Inc).